The following is an entry in ClinVar:

NM_001267550.2(TTN):c.103523T>C (p.Val34508Ala)

Genes: TTN-AS1 (TTN antisense RNA 1; plus strand), TTN (titin; minus strand). Cytogenetic location: 2q31.2.
Variant type: single nucleotide variant.
Coding change: c.103523T>C on transcript NM_001267550.2 (MANE Select); coding-DNA position 103523, T replaced by C.
Protein change: p.Val34508Ala; replaces valine 34508 with alanine.
Molecular consequence: missense variant.
Genome position (GRCh38, 1-based): chr2:178,533,092, A>G on the plus strand (T>C on the coding strand, the complement: TTN is on the minus strand). VCF-style: chr2-178533092-A-G. GRCh37 (hg19) VCF-style: chr2-179397819-A-G.
Other names: c.98600T>C, p.Val32867Ala (NM_001256850.1); c.76328T>C, p.Val25443Ala (NM_003319.4); c.95819T>C, p.Val31940Ala (NM_133378.4); c.76703T>C, p.Val25568Ala (NM_133432.3); c.76904T>C, p.Val25635Ala (NM_133437.4); short protein forms V25443A, V32867A, V25635A, V31940A, V25568A, V34508A.
Identifiers: ClinVar variation 2932484 (VCV002932484.3), dbSNP rs2468478775, ClinGen allele CA349414096.

ClinVar aggregate classification (germline): Uncertain significance (1 of 4 stars; one submission).

Conditions:
Autosomal recessive limb-girdle muscular dystrophy type 2J (LGMDR10). Also called: Limb-girdle muscular dystrophy, type 2J; MUSCULAR DYSTROPHY, LIMB-GIRDLE, AUTOSOMAL RECESSIVE 10. Identifiers: Orphanet 140922, MedGen C1837342, MONDO:0012127, OMIM 608807.
Dilated cardiomyopathy 1G (CMD1G). Identifiers: Orphanet 154, MedGen C1858763, MONDO:0011400, OMIM 604145.

Submission:

Labcorp Genetics (formerly Invitae), Labcorp
Classification: Uncertain significance for Dilated cardiomyopathy 1G; Autosomal recessive limb-girdle muscular dystrophy type 2J. Last evaluated: 2024-07-29. Review status: criteria provided, single submitter. Criteria: Invitae Variant Classification Sherloc (09022015). Collection method: clinical testing. Allele origin: germline.
Comment: This sequence change replaces valine, which is neutral and non-polar, with alanine, which is neutral and non-polar, at codon 34508 of the TTN protein (p.Val34508Ala). This variant is not present in population databases (gnomAD no frequency). This variant has not been reported in the literature in individuals affected with TTN-related conditions. Experimental studies and prediction algorithms are not available or were not evaluated, and the functional significance of this variant is currently unknown. In summary, the available evidence is currently insufficient to determine the role of this variant in disease. Therefore, it has been classified as a Variant of Uncertain Significance.